The following is an entry in ClinVar:

ClinVar aggregate classification (germline): Benign (1 of 4 stars; one submission).

Allele frequency attached by ClinVar (database versions not stated): gnomAD exomes 0.58213; 1000 Genomes Project 0.65036; gnomAD 0.65566 and 0.66279; 1000 Genomes Project 30x 0.65771; TOPMed 0.66277.
gnomAD v4.1: 380,597 of 633,782 alleles (60%); highest among the groups gnomAD compares: African/African-American, 86%; 117,349 homozygotes.

Submission:

GeneDx
Classification: Benign. Last evaluated: 2018-06-16. Review status: criteria provided, single submitter. Criteria: GeneDx Variant Classification (06012015). Collection method: clinical testing. Allele origin: germline. Affected: yes.
Comment: This variant is considered likely benign or benign based on one or more of the following criteria: it is a conservative change, it occurs at a poorly conserved position in the protein, it is predicted to be benign by multiple in silico algorithms, and/or has population frequency not consistent with disease.

NM_001244710.2(GFPT1):c.1010-142A>G

Gene: GFPT1 (glutamine--fructose-6-phosphate transaminase 1; minus strand). Cytogenetic location: 2p13.3.
Variant type: single nucleotide variant.
Coding change: c.1010-142A>G on transcript NM_001244710.2 (MANE Select); 142 bases into the intron before coding-DNA position 1010, A replaced by G.
Molecular consequence: intron variant.
Genome position (GRCh38, 1-based): chr2:69,346,141, T>C on the plus strand (A>G on the coding strand, the complement: GFPT1 is on the minus strand). VCF-style: chr2-69346141-T-C. GRCh37 (hg19) VCF-style: chr2-69573273-T-C.
Other names: c.956-142A>G (NM_002056.4).
Identifiers: ClinVar variation 681308 (VCV000681308.1), dbSNP rs4546050, ClinGen allele CA15158173.
Genomic context (GRCh38, chr2:69,346,141, plus strand): 5'-ATAATCTTGGTAAATAAAATATAACAAAAGTTCATGCAATAGACATGACTGCCTAAAAGA[T>C]TGGGTGAACATATTTTACTCTGTGGAAAAAAATAACAGTAAAAGTCACTTTTAATTAACT-3'